The following is an entry in ClinVar:

NM_197968.4(ZMYM2):c.914C>A (p.Ser305Ter)

Gene: ZMYM2 (zinc finger MYM-type containing 2; plus strand). Cytogenetic location: 13q12.11.
Variant type: single nucleotide variant.
Coding change: c.914C>A on transcript NM_197968.4 (MANE Select); coding-DNA position 914, C replaced by A.
Protein change: p.Ser305Ter; replaces serine 305 with a stop codon.
Molecular consequence: nonsense. On other transcripts: non-coding transcript variant (1).
Genome position (GRCh38, 1-based): chr13:20,002,916, C>A. VCF-style: chr13-20002916-C-A. GRCh37 (hg19) VCF-style: chr13-20577056-C-A.
Other names: c.914C>A, p.Ser305Ter (NM_001190964.4, NM_001190965.4, NM_001353157.2 and 5 more transcripts); c.719C>A, p.Ser240Ter (NM_001353161.3); c.653C>A, p.Ser218Ter (NM_001353163.2); short protein forms S305*, S218*, S240*.
Identifiers: ClinVar variation 4997651 (VCV004997651.1).

ClinVar aggregate classification (germline): Likely pathogenic (1 of 4 stars; one submission).

Conditions:
ZMYM2-related disorder. Also called: ZMYM2-related condition.

Submission:

PreventionGenetics, part of Exact Sciences
Classification: Likely pathogenic for ZMYM2-related condition. Last evaluated: 2024-10-16. Review status: criteria provided, single submitter. Criteria: ACMG Guidelines, 2015. Collection method: clinical testing. Allele origin: germline.
Comment: The ZMYM2 c.914C>A variant is predicted to result in premature protein termination (p.Ser305*). To our knowledge, this variant has not been reported in the literature or in a large population database (gnomAD), indicating this variant is rare. Nonsense variants in ZMYM2 are expected to be pathogenic. This variant is interpreted as likely pathogenic.